The following is an entry in ClinVar:

ClinVar aggregate classification (germline): Conflicting classifications of pathogenicity. Review status: criteria provided, conflicting classifications (1 of 4 stars). 3 submissions from 3 submitters: Uncertain significance (1); Likely benign (2). Last evaluated 2025-12-19.

Conditions:
TTN-related disorder. Also called: TTN-related condition; TTN-related disease; TTN-related disorders.
Dilated cardiomyopathy 1G (CMD1G). Identifiers: Orphanet 154, MedGen C1858763, MONDO:0011400, OMIM 604145.
Autosomal recessive limb-girdle muscular dystrophy type 2J (LGMDR10). Also called: Limb-girdle muscular dystrophy, type 2J; MUSCULAR DYSTROPHY, LIMB-GIRDLE, AUTOSOMAL RECESSIVE 10. Identifiers: Orphanet 140922, MedGen C1837342, MONDO:0012127, OMIM 608807.

Allele frequency attached by ClinVar (database versions not stated): gnomAD exomes 0.00001 and 0.00003; gnomAD 0.00002; TOPMed 0.00002.
gnomAD v4.1: 10 of 1,523,764 alleles (0.00066%); highest among the groups gnomAD compares: Admixed American, 0.018%; no homozygotes.

Submissions (3):

Labcorp Genetics (formerly Invitae), Labcorp
Classification: Likely benign for Dilated cardiomyopathy 1G; Autosomal recessive limb-girdle muscular dystrophy type 2J. Last evaluated: 2025-12-19. Review status: criteria provided, single submitter. Criteria: Invitae Variant Classification Sherloc (09022015). Collection method: clinical testing. Allele origin: germline.

PreventionGenetics, part of Exact Sciences
Classification: Likely benign for TTN-related condition. Last evaluated: 2025-04-23. Review status: criteria provided, single submitter. Criteria: ACMG Guidelines, 2015. Collection method: clinical testing. Allele origin: germline.
Comment: This variant is classified as likely benign based on ACMG/AMP sequence variant interpretation guidelines (Richards et al. 2015 PMID: 25741868, with internal and published modifications).

Eurofins Ntd Llc (ga)
Classification: Uncertain significance. Last evaluated: 2015-02-04. Review status: criteria provided, single submitter. Criteria: EGL Classification Definitions 2015. Collection method: clinical testing. Allele origin: germline. Observed: 2 variant alleles, 2 heterozygotes.

NM_001267550.2(TTN):c.32808G>T (p.Val10936=)

Gene: TTN (titin; minus strand). Cytogenetic location: 2q31.2.
Variant type: single nucleotide variant.
Coding change: c.32808G>T on transcript NM_001267550.2 (MANE Select); coding-DNA position 32808, G replaced by T.
Protein change: p.Val10936=; no amino-acid change (valine 10936 retained).
Molecular consequence: synonymous variant. On other transcripts: intron variant (3).
Genome position (GRCh38, 1-based): chr2:178,683,290, C>A on the plus strand (G>T on the coding strand, the complement: TTN is on the minus strand). VCF-style: chr2-178683290-C-A. GRCh37 (hg19) VCF-style: chr2-179548017-C-A.
Other names: c.31857G>T, p.Val10619= (NM_001256850.1); c.29076G>T, p.Val9692= (NM_133378.4); c.13283-40973G>T (NM_003319.4); c.13859-40973G>T (NM_133437.4); c.13658-40973G>T (NM_133432.3).
Identifiers: ClinVar variation 194296 (VCV000194296.14), dbSNP rs794727109, ClinGen allele CA240191.